The following is an entry in ClinVar:

NM_004370.6(COL12A1):c.2312C>T (p.Pro771Leu)

Gene: COL12A1 (collagen type XII alpha 1 chain; minus strand). Cytogenetic location: 6q13.
Variant type: single nucleotide variant.
Coding change: c.2312C>T on transcript NM_004370.6 (MANE Select); coding-DNA position 2312, C replaced by T.
Protein change: p.Pro771Leu; replaces proline 771 with leucine.
Molecular consequence: missense variant. On other transcripts: intron variant (1).
Genome position (GRCh38, 1-based): chr6:75,177,788, G>A on the plus strand (C>T on the coding strand, the complement: COL12A1 is on the minus strand). VCF-style: chr6-75177788-G-A. GRCh37 (hg19) VCF-style: chr6-75887504-G-A.
Other names: c.73+24932C>T (NM_080645.3); short protein forms P771L.
Identifiers: ClinVar variation 1954084 (VCV001954084.5), dbSNP rs769423889, ClinGen allele CA364764049.

ClinVar aggregate classification (germline): Uncertain significance (1 of 4 stars; one submission).

Conditions:
Ullrich congenital muscular dystrophy 2 (UCMD2). Identifiers: Orphanet 75840, MedGen C4225314, MONDO:0014654, OMIM 616470.
Bethlem myopathy 2 (BTHLM2). Identifiers: Orphanet 536516, Orphanet 610, MedGen C4225313, MONDO:0034022, OMIM 616471.

gnomAD v4.1: 4 of 1,613,902 alleles (0.00025%); highest among the groups gnomAD compares: South Asian, 0.0033%; no homozygotes.

Submission:

Labcorp Genetics (formerly Invitae), Labcorp
Classification: Uncertain significance for Bethlem myopathy 2; Ullrich congenital muscular dystrophy 2. Last evaluated: 2022-03-04. Review status: criteria provided, single submitter. Criteria: Invitae Variant Classification Sherloc (09022015). Collection method: clinical testing. Allele origin: germline.
Comment: This sequence change replaces proline, which is neutral and non-polar, with leucine, which is neutral and non-polar, at codon 771 of the COL12A1 protein (p.Pro771Leu). This variant is not present in population databases (gnomAD no frequency). This variant has not been reported in the literature in individuals affected with COL12A1-related conditions. Algorithms developed to predict the effect of missense changes on protein structure and function are either unavailable or do not agree on the potential impact of this missense change (SIFT: "Deleterious"; PolyPhen-2: "Possibly Damaging"; Align-GVGD: "Class C0"). In summary, the available evidence is currently insufficient to determine the role of this variant in disease. Therefore, it has been classified as a Variant of Uncertain Significance.